The following is an entry in ClinVar:

NM_001366244.2(GOLGA2):c.2326G>A (p.Glu776Lys)

Gene: GOLGA2 (golgin A2; minus strand). Cytogenetic location: 9q34.11.
Variant type: single nucleotide variant.
Coding change: c.2326G>A on transcript NM_001366244.2 (MANE Select); coding-DNA position 2326, G replaced by A.
Protein change: p.Glu776Lys; replaces glutamic acid 776 with lysine.
Molecular consequence: missense variant.
Genome position (GRCh38, 1-based): chr9:128,258,162, C>T on the plus strand (G>A on the coding strand, the complement: GOLGA2 is on the minus strand). VCF-style: chr9-128258162-C-T. GRCh37 (hg19) VCF-style: chr9-131020441-C-T.
Other names: c.2245G>A, p.Glu749Lys (NM_001366246.2, NM_004486.6); c.2311G>A, p.Glu771Lys (NM_001389695.2); c.2308G>A, p.Glu770Lys (NM_001389696.2); c.2233G>A, p.Glu745Lys (NM_001389697.2); c.2227G>A, p.Glu743Lys (NM_001389698.2); c.2206G>A, p.Glu736Lys (NM_001389699.2, NM_001389700.2); c.2164G>A, p.Glu722Lys (NM_001389701.2); c.2140G>A, p.Glu714Lys (NM_001389702.2); and 4 more; short protein forms E625K, E714K, E770K, E771K, E722K, E709K, E743K, E745K.
Identifiers: ClinVar variation 4672483 (VCV004672483.2).

ClinVar aggregate classification (germline): Uncertain significance. Review status: criteria provided, multiple submitters, no conflicts (2 of 4 stars). 2 submissions from 2 submitters: Uncertain significance (2). Last evaluated 2025-09-25.

Conditions:
GOLGA2-related disorder. Also called: GOLGA2-related condition.

gnomAD v4.1: 11 of 1,604,516 alleles (0.00069%); highest among the groups gnomAD compares: South Asian, 0.0099%; no homozygotes.

Submissions (2):

Ambry Genetics
Classification: Uncertain significance. Last evaluated: 2025-09-25. Review status: criteria provided, single submitter. Criteria: Ambry Variant Classification Scheme 2023. Collection method: clinical testing. Allele origin: germline.

PreventionGenetics, part of Exact Sciences
Classification: Uncertain significance for GOLGA2-related condition. Last evaluated: 2025-04-28. Review status: criteria provided, single submitter. Criteria: ACMG Guidelines, 2015. Collection method: clinical testing. Allele origin: germline.
Comment: The GOLGA2 c.2290G>A variant is predicted to result in the amino acid substitution p.Glu764Lys. To our knowledge, this variant has not been reported in the literature. This variant is reported in 0.0067% of alleles in individuals of South Asian descent in gnomAD. At this time, the clinical significance of this variant is uncertain due to the absence of conclusive functional and genetic evidence.